The following is an entry in ClinVar:

NM_000368.5(TSC1):c.2898T>C (p.Tyr966=)

Gene: TSC1 (TSC complex subunit 1; minus strand). Cytogenetic location: 9q34.13.
Variant type: single nucleotide variant.
Coding change: c.2898T>C on transcript NM_000368.5 (MANE Select); coding-DNA position 2898, T replaced by C.
Protein change: p.Tyr966=; no amino-acid change (tyrosine 966 retained).
Molecular consequence: synonymous variant.
Genome position (GRCh38, 1-based): chr9:132,897,261, A>G on the plus strand (T>C on the coding strand, the complement: TSC1 is on the minus strand). VCF-style: chr9-132897261-A-G. GRCh37 (hg19) VCF-style: chr9-135772648-A-G.
Other names: c.2895T>C, p.Tyr965= (NM_001162426.2); c.2745T>C, p.Tyr915= (NM_001162427.2); c.2535T>C, p.Tyr845= (NM_001362177.2).
Identifiers: ClinVar variation 385276 (VCV000385276.12), dbSNP rs1057522171, ClinGen allele CA16605544.
Genomic context (GRCh38, chr9:132,897,261, plus strand): 5'-AGCTGCTTCTGCTTTTTCTTCTTCAAGTTTTTTCAGGAGGCCATCTTTCTCCAACCTGCC[A>G]TATAAATCTAAGATCTCCAATTCAAACACCTGGGTTATCCTTTTCTGAGCCTCATACCTG-3'
Protein context (NP_000359.1, residues 956-976): QVFELEILDL[Tyr966=]GRLEKDGLLK

ClinVar aggregate classification (germline): Likely benign. Review status: criteria provided, multiple submitters, no conflicts (2 of 4 stars). 4 submissions from 4 submitters: Likely benign (4). Last evaluated 2025-12-08.

Conditions:
Hereditary cancer-predisposing syndrome. Also called: Neoplastic Syndromes, Hereditary; Hereditary neoplastic syndrome; Tumor predisposition; Hereditary Cancer Syndrome. Identifiers: Orphanet 140162, MedGen C0027672, MeSH D009386, MONDO:0015356.
Tuberous sclerosis 1 (TSC1). Identifiers: Orphanet 805, MedGen C1854465, MONDO:0008612, OMIM 191100.

Allele frequency attached by ClinVar (database versions not stated): gnomAD exomes 0.00001.
gnomAD v4.1: 3 of 1,614,224 alleles (0.00019%); highest among the groups gnomAD compares: Admixed American, 0.005%; no homozygotes.

Submissions (4):

Labcorp Genetics (formerly Invitae), Labcorp
Classification: Likely benign for Tuberous sclerosis 1. Last evaluated: 2025-12-08. Review status: criteria provided, single submitter. Criteria: Invitae Variant Classification Sherloc (09022015). Collection method: clinical testing. Allele origin: germline.

Ambry Genetics
Classification: Likely benign for Hereditary cancer-predisposing syndrome. Last evaluated: 2024-04-17. Review status: criteria provided, single submitter. Criteria: Ambry Variant Classification Scheme 2023. Collection method: clinical testing. Allele origin: germline.

Genome-Nilou Lab
Classification: Likely benign for Tuberous sclerosis 1. Last evaluated: 2021-11-07. Review status: criteria provided, single submitter. Criteria: ACMG Guidelines, 2015. Collection method: clinical testing. Allele origin: germline. Affected: no.

GeneDx
Classification: Likely benign. Last evaluated: 2016-03-30. Review status: criteria provided, single submitter. Criteria: GeneDx Variant Classification (06012015). Collection method: clinical testing. Allele origin: germline. Affected: yes.
Comment: This variant is considered likely benign or benign based on one or more of the following criteria: it is a conservative change, it occurs at a poorly conserved position in the protein, it is predicted to be benign by multiple in silico algorithms, and/or has population frequency not consistent with disease.